The following is an entry in ClinVar:

ClinVar aggregate classification (somatic clinical impact): Tier I - Strong (1 of 4 stars; one submission).

Conditions:
Diffuse glioma, H3 G34 mutant. Identifiers: MedGen CN377580, MONDO:0957197.

Submission:

Institute for Genomic Medicine (IGM) Clinical Laboratory, Nationwide Children's Hospital
Classification: Tier I - Strong for Diffuse glioma, H3 G34 mutant. Assertion type: diagnostic. Clinical significance: supports diagnosis. Last evaluated: 2024-05-31. Review status: criteria provided, single submitter. Criteria: AMP/ASCO/CAP Guidelines, 2017. Collection method: clinical testing. Allele origin: somatic. Affected: yes.
Comment: Variant has Tier I (strong) clinical significance as a diagnostic inclusion criterion in diffuse glioma, H3 G34 mutant, based on the following evidence: 1) Documented in one or more cancer databases (e.g., St. Jude Pecan, COSMIC, CIViC, OncoKB). 2) Appears in one or more well-established professional guidelines (e.g., World Health Organization [WHO]; National Comprehensive Cancer Network [NCCN]) as providing diagnostic, prognostic, or therapeutic information. 3) Diagnostic for a specific tumor type/classification according to professional guidelines (Evidence Level A; PMIDs: 25230881, 29763623, 28966033, 24705251).

Literature cited by the submitters: PubMed 25230881; PubMed 29763623; PubMed 28966033; PubMed 24705251.

NM_002107.7(H3-3A):c.103_104delinsTT (p.Gly35Leu)

Gene: H3-3A (H3.3 histone A; plus strand). Cytogenetic location: 1q42.12.
Variant type: Indel.
Coding change: c.103_104delinsTT on transcript NM_002107.7 (MANE Select); coding-DNA positions 103 to 104, GG replaced by TT.
Protein change: p.Gly35Leu; replaces glycine 35 with leucine.
Molecular consequence: missense variant.
Genome position (GRCh38, 1-based): chr1:226,064,454-226,064,455, GG replaced by TT. VCF-style: chr1-226064454-GG-TT. GRCh37 (hg19) VCF-style: chr1-226252155-GG-TT.
Other names: c.103_104delinsTT, p.Gly35Leu (NM_001379043.1, NM_001379045.1, NM_001379046.1 and 1 more transcripts); short protein forms G35L.
Identifiers: ClinVar variation 4530460 (VCV004530460.1).